The following is an entry in ClinVar:

NM_001190274.2(FBXO11):c.101A>C (p.Gln34Pro)

Genes: FBXO11 (F-box protein 11; minus strand), LOC100506235 (uncharacterized LOC100506235; plus strand). Cytogenetic location: 2p16.3.
Variant type: single nucleotide variant.
Coding change: c.101A>C on transcript NM_001190274.2 (MANE Select); coding-DNA position 101, A replaced by C.
Protein change: p.Gln34Pro; replaces glutamine 34 with proline.
Molecular consequence: missense variant. On other transcripts: non-coding transcript variant (1).
Genome position (GRCh38, 1-based): chr2:47,905,620, T>G on the plus strand (A>C on the coding strand, the complement: FBXO11 is on the minus strand). VCF-style: chr2-47905620-T-G. GRCh37 (hg19) VCF-style: chr2-48132759-T-G.
Other names: short protein forms Q34P.
Identifiers: ClinVar variation 2990290 (VCV002990290.3), dbSNP rs1038446251, ClinGen allele CA346812802.
Genomic context (GRCh38, chr2:47,905,620, plus strand): 5'-TGCTGCTGCTGCTGCGGCGGCGGCGGAGGCTGCTGCTGGGGCGGCTGCTGCTGGGGCGGC[T>G]GCGGCGGCGGCTGCTGCGGGGGCTGCTGCTGCTGTTGCTGCACCGGGCGCGGCCGCGACA-3'
Protein context (NP_001177203.1, residues 24-44): QQQPPQQPPP[Gln34Pro]PPQQQPPQQQ

ClinVar aggregate classification (germline): Uncertain significance (1 of 4 stars; one submission).

Submission:

Labcorp Genetics (formerly Invitae), Labcorp
Classification: Uncertain significance. Last evaluated: 2024-12-24. Review status: criteria provided, single submitter. Criteria: Invitae Variant Classification Sherloc (09022015). Collection method: clinical testing. Allele origin: germline.
Comment: This sequence change replaces glutamine, which is neutral and polar, with proline, which is neutral and non-polar, at codon 34 of the FBXO11 protein (p.Gln34Pro). The frequency data for this variant in the population databases is considered unreliable, as metrics indicate poor data quality at this position in the gnomAD database. This variant has not been reported in the literature in individuals affected with FBXO11-related conditions. ClinVar contains an entry for this variant (Variation ID: 2990290). Experimental studies and prediction algorithms are not available or were not evaluated, and the functional significance of this variant is currently unknown. In summary, the available evidence is currently insufficient to determine the role of this variant in disease. Therefore, it has been classified as a Variant of Uncertain Significance.